The following is an entry in ClinVar:

NM_001127178.3(PIGG):c.1244C>T (p.Ala415Val)

Gene: PIGG (phosphatidylinositol glycan anchor biosynthesis class G (EMM blood group); plus strand). Cytogenetic location: 4p16.3.
Variant type: single nucleotide variant.
Coding change: c.1244C>T on transcript NM_001127178.3 (MANE Select); coding-DNA position 1244, C replaced by T.
Protein change: p.Ala415Val; replaces alanine 415 with valine.
Molecular consequence: missense variant. On other transcripts: 5 prime UTR variant (2), non-coding transcript variant (10), intron variant (1).
Genome position (GRCh38, 1-based): chr4:521,185, C>T. VCF-style: chr4-521185-C-T. GRCh37 (hg19) VCF-style: chr4-514974-C-T.
Other names: c.977C>T, p.Ala326Val (NM_001289051.2, NM_001289053.2, NM_001345986.2 and 1 more transcripts); c.845C>T, p.Ala282Val (NM_001289052.2); c.878C>T, p.Ala293Val (NM_001289055.2); c.215C>T, p.Ala72Val (NM_001345988.2); c.1244C>T, p.Ala415Val (NM_001345989.2, NM_017733.5); c.-244C>T (NM_001345990.2, NM_001345991.2); c.170C>T, p.Ala57Val (NM_001345994.2); c.848-475C>T (NM_001289057.2); short protein forms A282V, A293V, A326V, A415V, A57V, A72V.
Identifiers: ClinVar variation 2416604 (VCV002416604.5), dbSNP rs1431270363, ClinGen allele CA355903955.

ClinVar aggregate classification (germline): Uncertain significance (1 of 4 stars; one submission).

Conditions:
Intellectual disability, autosomal recessive 53 (NEDHSCA). Also called: NEURODEVELOPMENTAL DISORDER WITH OR WITHOUT HYPOTONIA, SEIZURES, AND CEREBELLAR ATROPHY; GLYCOSYLPHOSPHATIDYLINOSITOL BIOSYNTHESIS DEFECT 13; Mental retardation, autosomal recessive 53. Identifiers: Orphanet 488635, MedGen C4310794, MONDO:0014832, OMIM 616917.

Allele frequency attached by ClinVar (database versions not stated): gnomAD exomes below 0.00001; gnomAD 0.00001.
gnomAD v4.1: 3 of 1,613,972 alleles (0.00019%); highest among the groups gnomAD compares: African/African-American, 0.0027%; no homozygotes.

Submission:

Labcorp Genetics (formerly Invitae), Labcorp
Classification: Uncertain significance for Intellectual disability, autosomal recessive 53. Last evaluated: 2022-08-22. Review status: criteria provided, single submitter. Criteria: Invitae Variant Classification Sherloc (09022015). Collection method: clinical testing. Allele origin: germline.
Comment: This sequence change replaces alanine, which is neutral and non-polar, with valine, which is neutral and non-polar, at codon 415 of the PIGG protein (p.Ala415Val). This variant is present in population databases (no rsID available, gnomAD 0.007%). This variant has not been reported in the literature in individuals affected with PIGG-related conditions. Algorithms developed to predict the effect of missense changes on protein structure and function are either unavailable or do not agree on the potential impact of this missense change (SIFT: "Tolerated"; PolyPhen-2: "Possibly Damaging"; Align-GVGD: "Class C0"). In summary, the available evidence is currently insufficient to determine the role of this variant in disease. Therefore, it has been classified as a Variant of Uncertain Significance.